The following is an entry in ClinVar:

ClinVar aggregate classification (germline): Benign. Review status: criteria provided, multiple submitters, no conflicts (2 of 4 stars). 5 submissions from 5 submitters: Benign (5). Last evaluated 2026-02-02.

Conditions:
Renal hypomagnesemia 2 (HOMG2). Also called: MAGNESIUM LOSS, ISOLATED RENAL. Identifiers: Orphanet 34528, MedGen C1835171, MONDO:0007937, OMIM 154020.

Allele frequency attached by ClinVar (database versions not stated): gnomAD 0.00367 and 0.00419; TOPMed 0.00376; ESP Exome Variant Server 0.00523; gnomAD exomes 0.00650 and 0.00682; 1000 Genomes Project 30x 0.00750; ExAC 0.00753; 1000 Genomes Project 0.00759.
gnomAD v4.1: 10,132 of 1,614,038 alleles (0.63%); highest among the groups gnomAD compares: South Asian, 2.2%; 97 homozygotes.

Submissions (5):

Labcorp Genetics (formerly Invitae), Labcorp
Classification: Benign. Last evaluated: 2026-02-02. Review status: criteria provided, single submitter. Criteria: Invitae Variant Classification Sherloc (09022015). Collection method: clinical testing. Allele origin: germline.

Mayo Clinic Laboratories, Mayo Clinic
Classification: Benign. Last evaluated: 2025-01-13. Review status: criteria provided, single submitter. Criteria: ACMG Guidelines, 2015. Collection method: clinical testing. Allele origin: germline. Observed: 1 variant allele.
Comment: BS1, BS2, BP4, BP7

Fulgent Genetics
Classification: Benign for Renal hypomagnesemia 2. Last evaluated: 2021-07-30. Review status: criteria provided, single submitter. Criteria: ACMG Guidelines, 2015. Collection method: clinical testing. Allele origin: unknown.

Illumina Laboratory Services, Illumina
Classification: Benign for Renal hypomagnesemia 2. Last evaluated: 2018-01-13. Review status: criteria provided, single submitter. Criteria: ICSL Variant Classification Criteria 13 December 2019. Collection method: clinical testing. Allele origin: germline.
Comment: This variant was observed in the ICSL laboratory as part of a predisposition screen in an ostensibly healthy population. It had not been previously curated by ICSL or reported in the Human Gene Mutation Database (HGMD: prior to June 1st, 2018), and was therefore a candidate for classification through an automated scoring system. Utilizing variant allele frequency, disease prevalence and penetrance estimates, and inheritance mode, an automated score was calculated to assess if this variant is too frequent to cause the disease. Based on the score and internal cut-off values, a variant classified as benign is not then subjected to further curation. The score for this variant resulted in a classification of benign for this disease.

Breakthrough Genomics
Classification: Benign. Review status: criteria provided, single submitter. Criteria: ACMG Guidelines, 2015. Collection method: not provided. Allele origin: germline. Inheritance: Autosomal dominant inheritance. Affected: yes.

NM_001680.5(FXYD2):c.195G>A (p.Glu65=)

Genes: FXYD6-FXYD2 (FXYD6-FXYD2 readthrough; minus strand), FXYD2 (FXYD domain containing ion transport regulator 2; minus strand). Cytogenetic location: 11q23.3.
Variant type: single nucleotide variant.
Coding change: c.195G>A on transcript NM_001680.5 (MANE Select); coding-DNA position 195, G replaced by A.
Protein change: p.Glu65=; no amino-acid change (glutamic acid 65 retained).
Molecular consequence: synonymous variant. On other transcripts: 3 prime UTR variant (1).
Genome position (GRCh38, 1-based): chr11:117,820,678, C>T on the plus strand (G>A on the coding strand, the complement: FXYD2 is on the minus strand). VCF-style: chr11-117820678-C-T. GRCh37 (hg19) VCF-style: chr11-117691393-C-T.
Other names: p.Glu65=; c.429G>A, p.Glu143= (NM_001204268.3); c.*28G>A (NM_001243598.4); c.189G>A, p.Glu63= (NM_021603.4).
Identifiers: ClinVar variation 302522 (VCV000302522.17), dbSNP rs144519777, ClinGen allele CA6297748.